The following is an entry in ClinVar:

ClinVar aggregate classification (germline): Pathogenic (1 of 4 stars; one submission).

Conditions:
CHARGE syndrome (CHARGE). Also called: Coloboma, heart anomaly, choanal atresia, retardation, genital and ear anomalies; CHARGE association; Hall-Hittner syndrome; Hittner Hirsch Kreh syndrome; CHARGE ASSOCIATION--COLOBOMA, HEART ANOMALY, CHOANAL ATRESIA, RETARDATION, GENITAL AND EAR ANOMALIES. Identifiers: Orphanet 138, MedGen C0265354, MONDO:0008965.

Submission:

Labcorp Genetics (formerly Invitae), Labcorp
Classification: Pathogenic for CHARGE syndrome. Last evaluated: 2021-05-14. Review status: criteria provided, single submitter. Criteria: Invitae Variant Classification Sherloc (09022015). Collection method: clinical testing. Allele origin: germline.
Comment: This sequence change creates a premature translational stop signal (p.Lys2652Asnfs*15) in the CHD7 gene. It is expected to result in an absent or disrupted protein product. Loss-of-function variants in CHD7 are known to be pathogenic (PMID: 22461308, 25077900). This variant is not present in population databases (ExAC no frequency). This variant has not been reported in the literature in individuals with CHD7-related conditions. For these reasons, this variant has been classified as Pathogenic.

Literature cited by the submitters: PubMed 22461308 (cited by Labcorp Genetics (formerly Invitae), Labcorp); PubMed 25077900 (cited by Labcorp Genetics (formerly Invitae), Labcorp).

NM_017780.4(CHD7):c.7956del (p.Lys2652fs)

Gene: CHD7 (chromodomain helicase DNA binding protein 7; plus strand). Cytogenetic location: 8q12.2.
Variant type: Deletion.
Coding change: c.7956del on transcript NM_017780.4 (MANE Select); coding-DNA position 7956, one base deleted (A; older notation c.7956delA).
Protein change: p.Lys2652fs; shifts the reading frame from lysine 2652.
Molecular consequence: frameshift variant.
Genome position (GRCh38, 1-based): chr8:60,862,321, A deleted; the last of 3 consecutive A bases (chr8:60,862,319-60,862,321); deleting any one gives the same sequence. VCF-style (leftmost placement, unchanged base first): chr8-60862318-TA-T. GRCh37 (hg19) VCF-style: chr8-61774877-TA-T.
Other names: c.1809del, p.Lys603fs (NM_001316690.1); c.7956del (NM_017780.3); short protein forms K2652fs, K603fs.
Identifiers: ClinVar variation 1454848 (VCV001454848.7), dbSNP rs2129721740, ClinGen allele CA2573143266.